The following is an entry in ClinVar:

ClinVar aggregate classification (germline): Uncertain significance. Review status: criteria provided, multiple submitters, no conflicts (2 of 4 stars). 2 submissions from 2 submitters: Uncertain significance (2). Last evaluated 2025-07-01.

gnomAD v4.1: 3 of 1,600,338 alleles (0.00019%); highest among the groups gnomAD compares: Non-Finnish European, 0.00026%; no homozygotes.

Submissions (2):

Labcorp Genetics (formerly Invitae), Labcorp
Classification: Uncertain significance. Last evaluated: 2025-07-01. Review status: criteria provided, single submitter. Criteria: Invitae Variant Classification Sherloc (09022015). Collection method: clinical testing. Allele origin: germline.
Comment: This sequence change replaces alanine, which is neutral and non-polar, with aspartic acid, which is acidic and polar, at codon 847 of the DGKZ protein (p.Ala847Asp). This variant is not present in population databases (gnomAD no frequency). This variant has not been reported in the literature in individuals affected with DGKZ-related conditions. ClinVar contains an entry for this variant (Variation ID: 2274008). An algorithm developed to predict the effect of missense changes on protein structure and function (PolyPhen-2) suggests that this variant is likely to be disruptive. In summary, the available evidence is currently insufficient to determine the role of this variant in disease. Therefore, it has been classified as a Variant of Uncertain Significance.

Ambry Genetics
Classification: Uncertain significance. Last evaluated: 2022-01-27. Review status: criteria provided, single submitter. Criteria: Ambry Variant Classification Scheme 2023. Collection method: clinical testing. Allele origin: germline.

NM_001199267.2(DGKZ):c.1973C>A (p.Ala658Asp)

Gene: DGKZ (diacylglycerol kinase zeta; plus strand). Cytogenetic location: 11p11.2.
Variant type: single nucleotide variant.
Coding change: c.1973C>A on transcript NM_001199267.2 (MANE Select); coding-DNA position 1973, C replaced by A.
Protein change: p.Ala658Asp; replaces alanine 658 with aspartic acid.
Molecular consequence: missense variant.
Genome position (GRCh38, 1-based): chr11:46,375,916, C>A. VCF-style: chr11-46375916-C-A. GRCh37 (hg19) VCF-style: chr11-46397466-C-A.
Other names: c.2540C>A, p.Ala847Asp (NM_001105540.2); c.1976C>A, p.Ala659Asp (NM_001199266.2, NM_003646.4); c.1907C>A, p.Ala636Asp (NM_001199268.2); c.2024C>A, p.Ala675Asp (NM_201532.3); c.1988C>A, p.Ala663Asp (NM_201533.3); short protein forms A636D, A847D, A658D, A659D, A663D, A675D.
Identifiers: ClinVar variation 2274008 (VCV002274008.3), dbSNP rs1168535779, ClinGen allele CA380225047.